The following is an entry in ClinVar:

NM_021619.3(PRDM12):c.562G>A (p.Ala188Thr)

Gene: PRDM12 (PR/SET domain 12; plus strand). Cytogenetic location: 9q34.12.
Variant type: single nucleotide variant.
Coding change: c.562G>A on transcript NM_021619.3 (MANE Select); coding-DNA position 562, G replaced by A.
Protein change: p.Ala188Thr; replaces alanine 188 with threonine.
Molecular consequence: missense variant.
Genome position (GRCh38, 1-based): chr9:130,668,305, G>A. VCF-style: chr9-130668305-G-A. GRCh37 (hg19) VCF-style: chr9-133543692-G-A.
Other names: short protein forms A188T.
Identifiers: ClinVar variation 1748741 (VCV001748741.2), dbSNP rs1481598365, ClinGen allele CA375247222.

ClinVar aggregate classification (germline): Uncertain significance (1 of 4 stars; one submission).

Conditions:
Inborn genetic diseases. Identifiers: MedGen C0950123, MeSH D030342.

Allele frequency attached by ClinVar (database versions not stated): gnomAD exomes below 0.00001.
gnomAD v4.1: 4 of 1,613,814 alleles (0.00025%); highest among the groups gnomAD compares: East Asian, 0.0022%; no homozygotes.

Submission:

Ambry Genetics
Classification: Uncertain significance for Inborn genetic diseases. Last evaluated: 2021-02-17. Review status: criteria provided, single submitter. Criteria: Ambry Variant Classification Scheme 2023. Collection method: clinical testing. Allele origin: germline.
Comment: The p.A188T variant (also known as c.562G>A), located in coding exon 3 of the PRDM12 gene, results from a G to A substitution at nucleotide position 562. The alanine at codon 188 is replaced by threonine, an amino acid with similar properties. This amino acid position is highly conserved in available vertebrate species. In addition, the in silico prediction for this alteration is inconclusive. Since supporting evidence is limited at this time, the clinical significance of this alteration remains unclear.